The following is an entry in ClinVar:

ClinVar aggregate classification (germline): Pathogenic (1 of 4 stars; one submission).

Conditions:
Kartagener syndrome (CILD1). Also called: CILIARY DYSKINESIA, PRIMARY, 1; CILIARY DYSKINESIA, PRIMARY, 1, WITH OR WITHOUT SITUS INVERSUS; IMMOTILE CILIA SYNDROME; POLYNESIAN BRONCHIECTASIS; Dextrocardia bronchiectasis and sinusitis; SIEWERT SYNDROME. Identifiers: Orphanet 244, MedGen C4551906, MONDO:0009484, OMIM 244400.

Submission:

Myriad Genetics, Inc.
Classification: Pathogenic for Kartagener syndrome. Last evaluated: 2025-10-16. Review status: criteria provided, single submitter. Criteria: Myriad Autosomal Dominant, Autosomal Recessive and X-Linked Classification Criteria (2023). Collection method: clinical testing. Allele origin: unknown.
Comment: NM_012144.2(DNAI1):c.1364C>G(S455*) is expected to be pathogenic in the context of primary ciliary dyskinesia, DNAI1-related. This variant is predicted to lead to an abnormal or absent protein product due to the creation of a premature termination codon in DNAI1, a gene where loss-of-function variants are known to be pathogenic. Please note: this variant was assessed in the context of healthy population screening.

NM_012144.4(DNAI1):c.1364C>G (p.Ser455Ter)

Gene: DNAI1 (dynein axonemal intermediate chain 1; plus strand). Cytogenetic location: 9p13.3.
Variant type: single nucleotide variant.
Coding change: c.1364C>G on transcript NM_012144.4 (MANE Select); coding-DNA position 1364, C replaced by G.
Protein change: p.Ser455Ter; replaces serine 455 with a stop codon.
Molecular consequence: nonsense.
Genome position (GRCh38, 1-based): chr9:34,512,161, C>G. VCF-style: chr9-34512161-C-G. GRCh37 (hg19) VCF-style: chr9-34512159-C-G.
Other names: c.1376C>G, p.Ser459Ter (NM_001281428.2); short protein forms S455*, S459*.
Identifiers: ClinVar variation 5015095 (VCV005015095.1).